The following is an entry in ClinVar:

ClinVar aggregate classification (germline): Benign/Likely benign. Review status: criteria provided, multiple submitters, no conflicts (2 of 4 stars). 11 submissions from 11 submitters: Benign (3); Likely benign (5). 3 of the submissions do not count toward it. Last evaluated 2026-01-27.

Conditions:
Epiphyseal dysplasia, multiple, 2 (EDM2). Also called: COL9A2-Related Multiple Epiphyseal Dysplasia. Identifiers: MedGen C1838429, MONDO:0010844, OMIM 600204.

Allele frequency attached by ClinVar (database versions not stated): gnomAD exomes 0.00017 and 0.00035; ExAC 0.00082; ESP Exome Variant Server 0.00139; gnomAD 0.00160 and 0.00165; TOPMed 0.00170; 1000 Genomes Project 0.00240; 1000 Genomes Project 30x 0.00250.
gnomAD v4.1: 489 of 1,550,658 alleles (0.032%); highest among the groups gnomAD compares: African/African-American, 0.54%; 2 homozygotes.

Submissions (11):

Labcorp Genetics (formerly Invitae), Labcorp
Classification: Benign. Last evaluated: 2026-01-27. Review status: criteria provided, single submitter. Criteria: Invitae Variant Classification Sherloc (09022015). Collection method: clinical testing. Allele origin: germline.

CeGaT Center for Human Genetics Tuebingen
Classification: Likely benign. Last evaluated: 2025-06-01. Review status: criteria provided, single submitter. Criteria: CeGaT Center For Human Genetics Tuebingen Variant Classification Criteria Version 2. Collection method: clinical testing. Allele origin: germline. Affected: yes. Observed: 1 variant allele.
Comment: COL9A2: BP4, BS1

Blueprint Genetics
Classification: Likely benign. Last evaluated: 2024-11-13. Review status: criteria provided, single submitter. Criteria: ACMG Guidelines, 2015. Collection method: clinical testing. Allele origin: germline.

Women's Health and Genetics/Laboratory Corporation of America, LabCorp
Classification: Benign. Last evaluated: 2023-11-08. Review status: criteria provided, single submitter. Criteria: LabCorp Variant Classification Summary - May 2015. Collection method: clinical testing. Allele origin: germline.
Comment: Variant summary: COL9A2 c.250-7T>C alters a non-conserved nucleotide located close to a canonical splice site and therefore could affect mRNA splicing, leading to a significantly altered protein sequence. Consensus agreement among computation tools predict no significant impact on normal splicing. However, these predictions have yet to be confirmed by functional studies. The variant allele was found at a frequency of 0.00032 in 1550658 control chromosomes, predominantly at a frequency of 0.0054 within the African or African-American subpopulation in the gnomAD database, including 2 homozygotes suggesting a benign role. To our knowledge, no occurrence of c.250-7T>C in individuals affected with Epiphyseal dysplasia, multiple, 2 and no experimental evidence demonstrating its impact on protein function have been reported. Four submitters have cited clinical-significance assessments for this variant to ClinVar after 2014. All submitters classified the variant as benign/likely benign. Based on the evidence outlined above, the variant was classified as benign.

GeneDx
Classification: Likely benign. Last evaluated: 2020-07-30. Review status: criteria provided, single submitter. Criteria: GeneDx Variant Classification Process June 2021. Collection method: clinical testing. Allele origin: germline. Affected: yes.

Eurofins Ntd Llc (ga)
Classification: Likely benign. Last evaluated: 2018-01-30. Review status: criteria provided, single submitter. Criteria: EGL Classification Definitions 2015. Collection method: clinical testing. Allele origin: germline. Observed: 1 variant allele, 1 heterozygote.

Illumina Laboratory Services, Illumina
Classification: Benign for Epiphyseal dysplasia, multiple, 2. Last evaluated: 2018-01-12. Review status: criteria provided, single submitter. Criteria: ICSL Variant Classification Criteria 13 December 2019. Collection method: clinical testing. Allele origin: germline.
Comment: This variant was observed in the ICSL laboratory as part of a predisposition screen in an ostensibly healthy population. It had not been previously curated by ICSL or reported in the Human Gene Mutation Database (HGMD: prior to June 1st, 2018), and was therefore a candidate for classification through an automated scoring system. Utilizing variant allele frequency, disease prevalence and penetrance estimates, and inheritance mode, an automated score was calculated to assess if this variant is too frequent to cause the disease. Based on the score and internal cut-off values, a variant classified as benign is not then subjected to further curation. The score for this variant resulted in a classification of benign for this disease.

Breakthrough Genomics
Classification: Likely benign. Review status: criteria provided, single submitter. Criteria: ACMG Guidelines, 2015. Collection method: not provided. Allele origin: germline. Inheritance: Autosomal recessive inheritance. Affected: yes.

Clinical Genetics DNA and cytogenetics Diagnostics Lab, Erasmus MC, Erasmus Medical Center
Classification: Likely benign. Review status: no assertion criteria provided. Collection method: clinical testing. Allele origin: germline. Affected: yes. Study: VKGL Data-share Consensus. Not counted in ClinVar's aggregate classification.

Clinical Genetics, Academic Medical Center
Classification: Benign. Review status: no assertion criteria provided. Collection method: clinical testing. Allele origin: germline. Affected: yes. Study: VKGL Data-share Consensus. Not counted in ClinVar's aggregate classification.

Laboratory of Diagnostic Genome Analysis, Leiden University Medical Center (LUMC)
Classification: Likely benign. Review status: no assertion criteria provided. Collection method: clinical testing. Allele origin: germline. Affected: yes. Study: VKGL Data-share Consensus. Not counted in ClinVar's aggregate classification.

NM_001852.4(COL9A2):c.250-7T>C

Gene: COL9A2 (collagen type IX alpha 2 chain; minus strand). Cytogenetic location: 1p34.2.
Variant type: single nucleotide variant.
Coding change: c.250-7T>C on transcript NM_001852.4 (MANE Select); 7 bases into the intron before coding-DNA position 250, T replaced by C.
Molecular consequence: intron variant.
Genome position (GRCh38, 1-based): chr1:40,312,791, A>G on the plus strand (T>C on the coding strand, the complement: COL9A2 is on the minus strand). VCF-style: chr1-40312791-A-G. GRCh37 (hg19) VCF-style: chr1-40778463-A-G.
Identifiers: ClinVar variation 297311 (VCV000297311.33), dbSNP rs146943340, ClinGen allele CA792045.